The following is an entry in ClinVar:

ClinVar aggregate classification (germline): Uncertain significance (1 of 4 stars; one submission).

Allele frequency attached by ClinVar (database versions not stated): TOPMed below 0.00001; gnomAD 0.00001; gnomAD exomes 0.00001; ExAC 0.00002.
gnomAD v4.1: 20 of 1,614,086 alleles (0.0012%); highest among the groups gnomAD compares: South Asian, 0.0044%; no homozygotes.

Submission:

Labcorp Genetics (formerly Invitae), Labcorp
Classification: Uncertain significance. Last evaluated: 2023-09-29. Review status: criteria provided, single submitter. Criteria: Invitae Variant Classification Sherloc (09022015). Collection method: clinical testing. Allele origin: germline.
Comment: In summary, the available evidence is currently insufficient to determine the role of this variant in disease. Therefore, it has been classified as a Variant of Uncertain Significance. An algorithm developed to predict the effect of missense changes on protein structure and function (PolyPhen-2) suggests that this variant is likely to be disruptive. ClinVar contains an entry for this variant (Variation ID: 1978333). This variant has not been reported in the literature in individuals affected with IL18BP-related conditions. This variant is present in population databases (rs200152431, gnomAD 0.01%). This sequence change replaces threonine, which is neutral and polar, with methionine, which is neutral and non-polar, at codon 128 of the IL18BP protein (p.Thr128Met).

NM_001039660.2(IL18BP):c.383C>T (p.Thr128Met)

Gene: IL18BP (interleukin 18 binding protein; plus strand). Cytogenetic location: 11q13.4.
Variant type: single nucleotide variant.
Coding change: c.383C>T on transcript NM_001039660.2 (MANE Select); coding-DNA position 383, C replaced by T.
Protein change: p.Thr128Met; replaces threonine 128 with methionine.
Molecular consequence: missense variant. On other transcripts: intron variant (2).
Genome position (GRCh38, 1-based): chr11:72,001,428, C>T. VCF-style: chr11-72001428-C-T. GRCh37 (hg19) VCF-style: chr11-71712474-C-T.
Other names: c.383C>T, p.Thr128Met (NM_001039659.2, NM_001145057.1, NM_005699.3 and 1 more transcripts); c.379+4C>T (NM_173044.3); c.236-356C>T (NM_001145055.1); short protein forms T128M.
Identifiers: ClinVar variation 1978333 (VCV001978333.4), dbSNP rs200152431, ClinGen allele CA6166234.